The following is an entry in ClinVar:

NM_013314.4(BLNK):c.680G>A (p.Arg227Gln)

Gene: BLNK (B cell linker; minus strand). Cytogenetic location: 10q24.1.
Variant type: single nucleotide variant.
Coding change: c.680G>A on transcript NM_013314.4 (MANE Select); coding-DNA position 680, G replaced by A.
Protein change: p.Arg227Gln; replaces arginine 227 with glutamine.
Molecular consequence: missense variant. On other transcripts: non-coding transcript variant (3).
Genome position (GRCh38, 1-based): chr10:96,209,904, C>T on the plus strand (G>A on the coding strand, the complement: BLNK is on the minus strand). VCF-style: chr10-96209904-C-T. GRCh37 (hg19) VCF-style: chr10-97969660-C-T.
Other names: c.611G>A, p.Arg204Gln (NM_001114094.2, NM_001258441.2); c.680G>A, p.Arg227Gln (NM_001258440.2); c.365G>A, p.Arg122Gln (NM_001258442.2); short protein forms R227Q, R122Q, R204Q.
Identifiers: ClinVar variation 662446 (VCV000662446.4), dbSNP rs782554120, ClinGen allele CA5623353.

ClinVar aggregate classification (germline): Uncertain significance (1 of 4 stars; one submission).

Conditions:
Agammaglobulinemia 4, autosomal recessive (AGM4). Also called: B cell linker protein deficiency; AGAMMAGLOBULINEMIA, AUTOSOMAL RECESSIVE, DUE TO BLNK DEFECT. Identifiers: MedGen C3150752, MONDO:0013289, OMIM 613502.

Allele frequency attached by ClinVar (database versions not stated): TOPMed below 0.00001; ExAC 0.00002; gnomAD 0.00002; gnomAD exomes 0.00001.
gnomAD v4.1: 22 of 1,614,070 alleles (0.0014%); highest among the groups gnomAD compares: South Asian, 0.0077%; 1 homozygote.

Submission:

Labcorp Genetics (formerly Invitae), Labcorp
Classification: Uncertain significance for Agammaglobulinemia 4, autosomal recessive. Last evaluated: 2021-11-29. Review status: criteria provided, single submitter. Criteria: Invitae Variant Classification Sherloc (09022015). Collection method: clinical testing. Allele origin: germline.
Comment: This sequence change replaces arginine, which is basic and polar, with glutamine, which is neutral and polar, at codon 227 of the BLNK protein (p.Arg227Gln). This variant is present in population databases (rs782554120, gnomAD 0.006%). This variant has not been reported in the literature in individuals affected with BLNK-related conditions. ClinVar contains an entry for this variant (Variation ID: 662446). Algorithms developed to predict the effect of missense changes on protein structure and function output the following: SIFT: "Deleterious"; PolyPhen-2: "Benign"; Align-GVGD: "Class C0". The glutamine amino acid residue is found in multiple mammalian species, which suggests that this missense change does not adversely affect protein function. In summary, the available evidence is currently insufficient to determine the role of this variant in disease. Therefore, it has been classified as a Variant of Uncertain Significance.